The following is an entry in ClinVar:

NM_001009944.3(PKD1):c.6322C>A (p.Pro2108Thr)

Gene: PKD1 (polycystin 1, transient receptor potential channel interacting; minus strand). Cytogenetic location: 16p13.3.
Variant type: single nucleotide variant.
Coding change: c.6322C>A on transcript NM_001009944.3 (MANE Select); coding-DNA position 6322, C replaced by A.
Protein change: p.Pro2108Thr; replaces proline 2108 with threonine.
Molecular consequence: missense variant.
Genome position (GRCh38, 1-based): chr16:2,108,845, G>T on the plus strand (C>A on the coding strand, the complement: PKD1 is on the minus strand). VCF-style: chr16-2108845-G-T. GRCh37 (hg19) VCF-style: chr16-2158846-G-T.
Other names: c.6322C>A, p.Pro2108Thr (NM_000296.4); short protein forms P2108T.
Identifiers: ClinVar variation 3376937 (VCV003376937.1).

ClinVar aggregate classification (germline): Uncertain significance (1 of 4 stars; one submission).

Conditions:
Polycystic kidney disease, adult type (PKD1). Also called: POLYCYSTIC KIDNEY DISEASE, ADULT, TYPE I; Polycystic Kidney Disease 1, Autosomal Dominant; Polycystic kidney disease 1; Polycystic kidney disease 1, severe; Polycystic Kidney, Autosomal Dominant; POLYCYSTIC KIDNEY DISEASE 1 WITH OR WITHOUT POLYCYSTIC LIVER DISEASE. Identifiers: MedGen C3149841, MONDO:0008263, OMIM 173900.

gnomAD v4.1: 3 of 1,572,380 alleles (0.00019%); highest among the groups gnomAD compares: South Asian, 0.0023%; no homozygotes.

Submission:

Victorian Clinical Genetics Services, Murdoch Childrens Research Institute
Classification: Uncertain significance for Polycystic kidney disease, adult type. Last evaluated: 2024-09-20. Review status: criteria provided, single submitter. Criteria: ACMG Guidelines, 2015. Collection method: clinical testing. Allele origin: germline. Inheritance: Autosomal dominant inheritance. Affected: yes.
Comment: Based on the classification scheme VCGS_Germline_v1.3.4, this variant is classified as VOUS. Following criteria are met: 0102 - Loss of function is a known mechanism of disease in this gene and is associated with Polycystic kidney disease 1 (MIM#173900). (I) 0107 - This gene is associated with autosomal dominant disease. Polycystic kidney disease 1 (MIM#173900) is predominantly caused by monoallelic variants, with rare reports of biallelic variants causing disease (OMIM). (I) 0200 - Variant is predicted to result in a missense amino acid change from proline to threonine. (I) 0251 - This variant is heterozygous. (I) 0302 - Variant is present in gnomAD (v3 <0.001 for a dominant condition ([1 heterozygote, 0 homozygotes). (SP) 0309 - An alternative amino acid change at the same position has been observed in gnomAD (v3) (1 heterozygote, 0 homozygotes). (I) 0503 - Missense variant consistently predicted to be tolerated by multiple in silico tools or not conserved in placental mammals with a minor amino acid change. (SB) 0600 - Variant is located in the annotated PKD domain (DECIPHER). (I) 0705 - No comparable missense variants have previous evidence for pathogenicity. (I) 0807 - This variant has no previous evidence of pathogenicity. (I) 0905 - No published segregation evidence has been identified for this variant. (I) 1007 - No published functional evidence has been identified for this variant. (I) 1208 - Inheritance information for this variant is not currently available in this individual. (I) Legend: (SP) - Supporting pathogenic, (I) - Information, (SB) - Supporting benign